The following is an entry in ClinVar:

ClinVar aggregate classification (germline): Pathogenic/Likely pathogenic. Review status: criteria provided, multiple submitters, no conflicts (2 of 4 stars). 4 submissions from 4 submitters: Pathogenic (2); Likely pathogenic (2). Last evaluated 2023-08-18.

Conditions:
Hereditary cancer-predisposing syndrome. Also called: Hereditary Cancer Syndrome; Neoplastic Syndromes, Hereditary; Hereditary neoplastic syndrome; Tumor predisposition. Identifiers: Orphanet 140162, MedGen C0027672, MeSH D009386, MONDO:0015356.
Familial cancer of breast. Also called: Hereditary breast cancer; hereditary breast carcinoma; BREAST CANCER, FAMILIAL. Identifiers: Orphanet 227535, MedGen C0346153, MONDO:0016419, OMIM 114480. Disease mechanism: loss of function.

Submissions (4):

Ambry Genetics
Classification: Pathogenic for Hereditary cancer-predisposing syndrome. Last evaluated: 2023-08-18. Review status: criteria provided, single submitter. Criteria: Ambry Variant Classification Scheme 2023. Collection method: clinical testing. Allele origin: germline.
Comment: The c.1501delG pathogenic mutation, located in coding exon 13 of the CHEK2 gene, results from a deletion of one nucleotide at nucleotide position 1501, causing a translational frameshift with a predicted alternate stop codon. This alteration occurs at the 3' terminus of the CHEK2 gene, is not expected to trigger nonsense-mediated mRNA decay, and only impacts the last 43 amino acids of the protein. However, premature stop codons are typically deleterious in nature and the impacted region is critical for protein function (Ambry internal data). This alteration results in the truncation of the critical NLS-3 (nuclear localization signal-3) domain of the CHEK2 gene, which mediates proper localization of the protein (Zannini L et al. J. Biol. Chem. 2003 Oct; 278(43):42346-51). This variant is considered to be rare based on population cohorts in the Genome Aggregation Database (gnomAD). Based on the supporting evidence, this alteration is interpreted as a disease-causing mutation.

Myriad Genetics, Inc.
Classification: Pathogenic for Familial cancer of breast. Last evaluated: 2023-06-29. Review status: criteria provided, single submitter. Criteria: Myriad Autosomal Dominant, Autosomal Recessive and X-Linked Classification Criteria (2023). Collection method: clinical testing. Allele origin: unknown.
Comment: This variant is considered pathogenic. This variant creates a frameshift predicted to result in premature protein truncation.

Labcorp Genetics (formerly Invitae), Labcorp
Classification: Likely pathogenic for Familial cancer of breast. Last evaluated: 2021-08-19. Review status: criteria provided, single submitter. Criteria: Invitae Variant Classification Sherloc (09022015). Collection method: clinical testing. Allele origin: germline.
Comment: This variant is not present in population databases (ExAC no frequency). In summary, the currently available evidence indicates that the variant is pathogenic, but additional data are needed to prove that conclusively. Therefore, this variant has been classified as Likely Pathogenic. The last exon of the CHEK2 gene contains a nuclear localization signal (NLS), which is necessary for CHEK2 function in the nucleus (PMID: 12909615, 18004398, 24879340), as variants within the NLS result in the CHEK2 protein being mislocalized to the cytoplasm (PMID: 12909615). This frameshift is expected to remove the NLS domain. Also, other loss-of-function variants downstream of this codon (p.Ser516Leufs*50 and p.Arg519*) have been determined to be pathogenic (PMID: 12909615, 12855706). This suggests that this region is critical for CHEK2 protein function, and that loss-of-function variants upstream of those positions may also be pathogenic. This variant has not been reported in the literature in individuals with CHEK2-related disease. ClinVar contains an entry for this variant (Variation ID: 428912). This sequence change results in a premature translational stop signal in the CHEK2 gene (p.Glu501Argfs*12). While this is not anticipated to result in nonsense mediated decay, it is expected to disrupt the last 43 amino acids of the CHEK2 protein.

Color Diagnostics, LLC DBA Color Health
Classification: Likely pathogenic for Hereditary cancer-predisposing syndrome. Last evaluated: 2019-02-28. Review status: criteria provided, single submitter. Criteria: ACMG Guidelines, 2015. Collection method: clinical testing. Allele origin: germline.

Literature cited by the submitters: PubMed 12909615 (cited by Labcorp Genetics (formerly Invitae), Labcorp); PubMed 18004398 (cited by Labcorp Genetics (formerly Invitae), Labcorp); PubMed 24879340 (cited by Labcorp Genetics (formerly Invitae), Labcorp); PubMed 12855706 (cited by Labcorp Genetics (formerly Invitae), Labcorp).

NM_007194.4(CHEK2):c.1501del (p.Glu501fs)

Gene: CHEK2 (checkpoint kinase 2; minus strand). Cytogenetic location: 22q12.1.
Variant type: Deletion.
Coding change: c.1501del on transcript NM_007194.4 (MANE Select); coding-DNA position 1501, one base deleted (G; older notation c.1501delG).
Protein change: p.Glu501fs; shifts the reading frame from glutamic acid 501.
Molecular consequence: frameshift variant.
Genome position (GRCh38, 1-based): chr22:28,689,176, C deleted on the plus strand (G on the coding strand, the reverse complement: CHEK2 is on the minus strand). VCF-style (leftmost placement, unchanged base first): chr22-28689175-TC-T. GRCh37 (hg19) VCF-style: chr22-29085163-TC-T.
Other names: c.1501del (NM_007194.3); c.1630delG, p.Glu544Argfs (NM_001005735.3); c.838delG, p.Glu280Argfs (NM_001257387.3); c.1300delG, p.Glu434Argfs (NM_001349956.3); c.1414delG, p.Glu472Argfs (NM_145862.3); short protein forms E280fs, E501fs, E544fs, E434fs, E472fs.
Identifiers: ClinVar variation 428912 (VCV000428912.21), dbSNP rs1131691045, ClinGen allele CA645369744.